The following is an entry in ClinVar:

ClinVar aggregate classification (germline): Uncertain significance. Review status: criteria provided, multiple submitters, no conflicts (2 of 4 stars). 2 submissions from 2 submitters: Uncertain significance (2). Last evaluated 2023-08-30.

Allele frequency attached by ClinVar (database versions not stated): ExAC 0.00001; gnomAD 0.00001; gnomAD exomes 0.00001 and 0.00003; TOPMed 0.00002.

Submissions (2):

Labcorp Genetics (formerly Invitae), Labcorp
Classification: Uncertain significance. Last evaluated: 2023-08-30. Review status: criteria provided, single submitter. Criteria: Invitae Variant Classification Sherloc (09022015). Collection method: clinical testing. Allele origin: germline.
Comment: This sequence change replaces phenylalanine, which is neutral and non-polar, with serine, which is neutral and polar, at codon 666 of the PLEKHG2 protein (p.Phe666Ser). This variant is present in population databases (rs756913504, gnomAD 0.003%). This variant has not been reported in the literature in individuals affected with PLEKHG2-related conditions. ClinVar contains an entry for this variant (Variation ID: 1373502). An algorithm developed to predict the effect of missense changes on protein structure and function (PolyPhen-2) suggests that this variant is likely to be disruptive. In summary, the available evidence is currently insufficient to determine the role of this variant in disease. Therefore, it has been classified as a Variant of Uncertain Significance.

Ambry Genetics
Classification: Uncertain significance. Last evaluated: 2021-09-16. Review status: criteria provided, single submitter. Criteria: Ambry Variant Classification Scheme 2023. Collection method: clinical testing. Allele origin: germline.

NM_022835.3(PLEKHG2):c.1997T>C (p.Phe666Ser)

Gene: PLEKHG2 (pleckstrin homology and RhoGEF domain containing G2; plus strand). Cytogenetic location: 19q13.2.
Variant type: single nucleotide variant.
Coding change: c.1997T>C on transcript NM_022835.3 (MANE Select); coding-DNA position 1997, T replaced by C.
Protein change: p.Phe666Ser; replaces phenylalanine 666 with serine.
Molecular consequence: missense variant. On other transcripts: intron variant (1).
Genome position (GRCh38, 1-based): chr19:39,423,051, T>C. VCF-style: chr19-39423051-T-C. GRCh37 (hg19) VCF-style: chr19-39913691-T-C.
Other names: c.1997T>C (NM_022835.2); c.1820T>C, p.Phe607Ser (NM_001351693.2); c.1677+763T>C (NM_001351694.2); short protein forms F607S, F666S.
Identifiers: ClinVar variation 1373502 (VCV001373502.9), dbSNP rs756913504, ClinGen allele CA9429690.